The following is an entry in ClinVar:

NM_000685.5(AGTR1):c.-47-1034C>T

Gene: AGTR1 (angiotensin II receptor type 1; plus strand). Cytogenetic location: 3q24.
Variant type: single nucleotide variant.
Coding change: c.-47-1034C>T on transcript NM_000685.5 (MANE Select); 1034 bases into the intron before 47 bases upstream of the start codon, C replaced by T.
Molecular consequence: intron variant. On other transcripts: 5 prime UTR variant (1).
Genome position (GRCh38, 1-based): chr3:148,739,955, C>T. VCF-style: chr3-148739955-C-T. GRCh37 (hg19) VCF-style: chr3-148457742-C-T.
Other names: c.-49C>T (NM_032049.4); c.-47-1034C>T (NM_001382737.1, NM_001382736.1, NM_031850.4 and 2 more transcripts).
Identifiers: ClinVar variation 3045256 (VCV003045256.2), dbSNP rs754749117, ClinGen allele CA85496278.

ClinVar aggregate classification (germline): Likely benign (0 of 4 stars; one submission).

Conditions:
AGTR1-related disorder. Also called: AGTR1-related condition.

Allele frequency attached by ClinVar (database versions not stated): gnomAD 0.00028; TOPMed 0.00028; gnomAD exomes 0.00059.
gnomAD v4.1: 684 of 1,231,690 alleles (0.056%); highest among the groups gnomAD compares: Non-Finnish European, 0.065%; no homozygotes.

Submission:

PreventionGenetics, part of Exact Sciences
Classification: Likely benign for AGTR1-related condition. Last evaluated: 2019-10-28. Review status: no assertion criteria provided. Collection method: clinical testing. Allele origin: germline.
Comment: This variant is classified as likely benign based on ACMG/AMP sequence variant interpretation guidelines (Richards et al. 2015 PMID: 25741868, with internal and published modifications).